The following is an entry in ClinVar:

NM_000018.4(ACADVL):c.1532+2T>C

Gene: ACADVL (acyl-CoA dehydrogenase very long chain; plus strand). Cytogenetic location: 17p13.1.
Variant type: single nucleotide variant.
Coding change: c.1532+2T>C on transcript NM_000018.4 (MANE Select); the canonical splice donor site of the intron after coding-DNA position 1532, T replaced by C.
Molecular consequence: splice donor variant.
Genome position (GRCh38, 1-based): chr17:7,224,245, T>C. VCF-style: chr17-7224245-T-C. GRCh37 (hg19) VCF-style: chr17-7127564-T-C.
Other names: c.1601+2T>C (NM_001270447.2); c.1304+2T>C (NM_001270448.2); c.1466+2T>C (NM_001033859.3).
Identifiers: ClinVar variation 370770 (VCV000370770.16), dbSNP rs111851815, ClinGen allele CA16041875.

ClinVar aggregate classification (germline): Likely pathogenic. Review status: reviewed by expert panel (3 of 4 stars). 6 submissions from 6 submitters: Likely pathogenic (1). 5 of the submissions do not count toward it. Last evaluated 2022-12-14.

Conditions:
Very long chain acyl-CoA dehydrogenase deficiency (ACADVLD). Also called: Very Long-Chain Acyl-Coenzyme A Dehydrogenase Deficiency; VLCAD Deficiency. Identifiers: Orphanet 26793, MedGen C3887523, MONDO:0008723, OMIM 201475.

gnomAD v4.1: 5 of 1,613,714 alleles (0.00031%); highest among the groups gnomAD compares: East Asian, 0.0022%; no homozygotes.

Submissions (6):

ClinGen ACADVL Variant Curation Expert Panel, ClinGen
Classification: Likely pathogenic for Very long chain acyl-CoA dehydrogenase deficiency. Last evaluated: 2022-12-14. Review status: reviewed by expert panel. Criteria: clingen acadvl acmg specifications v1. Collection method: curation. Allele origin: germline. Inheritance: Autosomal recessive inheritance.
Comment: The c.1532+2T>C variant in ACADVL occurs within the canonical splice donor/acceptor site (+/- 1,2) of intron 15. It is predicted to cause skipping of biologically-relevant-exon 15/20, resulting in a frameshift leading to nonsense mediated decay in a gene in which loss-of-function is an established disease mechanism (PVS1; PMIDs 9973285, 11590124). At least one individual with this variant was identified by newborn screen, but this information is insufficient to use toward classification (PMID: 26385305). The highest population minor allele frequency in gnomAD v2.1 is 0.00005440 in the East Asian population, which is lower than the ClinGen ACADVL Variant Curation Expert Panel threshold (<0.001) for PM2_Supporting, meeting this criterion (PM2_Supporting). In summary, this variant meets the criteria to be classified as likely pathogenic for autosomal recessive very long chain acyl-CoA dehydrogenase (VLCAD) deficiency based on the ACMG/AMP criteria applied, as specified by the ClinGen ACADVL Variant Curation Expert Panel: PVS1, PM2_Supporting. (ACADVL VCEP specifications version 1; approved November 8, 2021)

Myriad Genetics, Inc.
Classification: Likely pathogenic for Very long chain acyl-CoA dehydrogenase deficiency. Last evaluated: 2026-02-02. Review status: criteria provided, single submitter. Criteria: Myriad Autosomal Dominant, Autosomal Recessive and X-Linked Classification Criteria (2023). Collection method: clinical testing. Allele origin: unknown. Not counted in ClinVar's aggregate classification.
Comment: NM_000018.3(ACADVL):c.1532+2T>C is a variant in a canonical splice site classified as likely pathogenic in the context of very-long-chain acyl-CoA dehydrogenase deficiency. c.1532+2T>C has not been observed in cases with relevant disease. Relevant functional assessments of this variant are not available in the literature. c.1532+2T>C has been observed in referenced population frequency databases. In summary, NM_000018.3(ACADVL):c.1532+2T>C is a variant in a canonical splice site in a gene where loss of function is a known mechanism of disease and is predicted to disrupt protein function. Please note: this variant was assessed in the context of healthy population screening.

Baylor Genetics
Classification: Likely pathogenic for Very long chain acyl-CoA dehydrogenase deficiency. Last evaluated: 2023-11-28. Review status: criteria provided, single submitter. Criteria: ACMG Guidelines, 2015. Collection method: clinical testing. Allele origin: unknown. Not counted in ClinVar's aggregate classification.

Labcorp Genetics (formerly Invitae), Labcorp
Classification: Likely pathogenic for Very long chain acyl-CoA dehydrogenase deficiency. Last evaluated: 2023-08-16. Review status: criteria provided, single submitter. Criteria: Invitae Variant Classification Sherloc (09022015). Collection method: clinical testing. Allele origin: germline. Not counted in ClinVar's aggregate classification.
Comment: This sequence change affects a donor splice site in intron 15 of the ACADVL gene. It is expected to disrupt RNA splicing. Variants that disrupt the donor or acceptor splice site typically lead to a loss of protein function (PMID: 16199547), and loss-of-function variants in ACADVL are known to be pathogenic (PMID: 9973285, 11590124). This variant is present in population databases (rs111851815, gnomAD 0.006%). Disruption of this splice site has been observed in individual(s) with a positive newborn screening result for ACADVL-related disease (PMID: 26385305). ClinVar contains an entry for this variant (Variation ID: 370770). Algorithms developed to predict the effect of sequence changes on RNA splicing suggest that this variant may disrupt the consensus splice site. In summary, the currently available evidence indicates that the variant is pathogenic, but additional data are needed to prove that conclusively. Therefore, this variant has been classified as Likely Pathogenic.

Wong Mito Lab, Molecular and Human Genetics, Baylor College of Medicine
Classification: Pathogenic for Very long chain acyl-CoA dehydrogenase deficiency. Last evaluated: 2019-11-01. Review status: criteria provided, single submitter. Criteria: ACMG Guidelines, 2015. Collection method: clinical testing. Allele origin: germline. Not counted in ClinVar's aggregate classification.
Comment: The NM_000018.3:c.1532+2T>C (NP_000009.1:p.?) [GRCH38: NC_000017.11:g.7224245T>C] variant in ACADVL gene is interpretated to be Pathogenic based on ACMG guidelines (PMID: 25741868). This variant has been reported. This variant meets the following evidence codes reported in the ACMG guidelines: PVS1, PS3

Counsyl
Classification: Likely pathogenic for Very long chain acyl-CoA dehydrogenase deficiency. Last evaluated: 2016-04-13. Review status: no assertion criteria provided. Collection method: clinical testing. Allele origin: unknown. Not counted in ClinVar's aggregate classification.

Literature cited by the submitters: PubMed 16199547 (cited by Labcorp Genetics (formerly Invitae), Labcorp); PubMed 9973285 (cited by Labcorp Genetics (formerly Invitae), Labcorp); PubMed 11590124 (cited by Labcorp Genetics (formerly Invitae), Labcorp); PubMed 26385305 (cited by Labcorp Genetics (formerly Invitae), Labcorp and Counsyl).